The following is an entry in ClinVar:

NM_001308120.2(TOGARAM1):c.4134_4140del (p.Leu1379fs)

Gene: TOGARAM1 (TOG array regulator of axonemal microtubules 1; plus strand). Cytogenetic location: 14q21.2.
Variant type: Deletion.
Coding change: c.4134_4140del on transcript NM_001308120.2 (MANE Select); coding-DNA positions 4134 to 4140, 7 bases deleted (TCTTATC; older notation c.4134_4140delTCTTATC).
Protein change: p.Leu1379fs; shifts the reading frame from leucine 1379.
Molecular consequence: frameshift variant. On other transcripts: non-coding transcript variant (1).
Genome position (GRCh38, 1-based): chr14:45,044,850-45,044,856, TCTTATC deleted; deleting any 7 consecutive bases within chr14:45,044,848-45,044,856 gives the same sequence; the c. name uses the placement nearest the transcript's 3' end. VCF-style (leftmost placement, unchanged base first): chr14-45044847-TTCTCTTA-T. GRCh37 (hg19) VCF-style: chr14-45514050-TTCTCTTA-T.
Other names: c.4134_4140del, p.Leu1379fs (NM_015091.4); short protein forms L1379fs.
Identifiers: ClinVar variation 3239578 (VCV003239578.19), dbSNP rs2502866712.
Genomic context (GRCh38, chr14:45,044,847, plus strand): 5'-AGATGTTGACAAAGCATTGAGAGCTATGGTTAATAATGTAACTCCTGCACGTGCAGTTGT[TTCTCTTA>T]TCAATGGTGGACAAAGGTAATGTTCAAAATAACCTTGAAATGTCTTTAAACAAAAAATGA-3'

ClinVar aggregate classification (germline): Uncertain significance (1 of 4 stars; one submission).

Submission:

CeGaT Center for Human Genetics Tuebingen
Classification: Uncertain significance. Last evaluated: 2024-05-01. Review status: criteria provided, single submitter. Criteria: CeGaT Center For Human Genetics Tuebingen Variant Classification Criteria Version 2. Collection method: clinical testing. Allele origin: germline. Affected: yes. Observed: 1 variant allele.
Comment: TOGARAM1: PM2